The following is an entry in ClinVar:

NM_001378974.1(FBXW11):c.1543C>T (p.Arg515Cys)

Gene: FBXW11 (F-box and WD repeat domain containing 11; minus strand). Cytogenetic location: 5q35.1.
Variant type: single nucleotide variant.
Coding change: c.1543C>T on transcript NM_001378974.1 (MANE Select); coding-DNA position 1543, C replaced by T.
Protein change: p.Arg515Cys; replaces arginine 515 with cysteine.
Molecular consequence: missense variant.
Genome position (GRCh38, 1-based): chr5:171,868,784, G>A on the plus strand (C>T on the coding strand, the complement: FBXW11 is on the minus strand). VCF-style: chr5-171868784-G-A. GRCh37 (hg19) VCF-style: chr5-171295788-G-A.
Other names: c.1474C>T, p.Arg492Cys (NM_001378975.1); c.1447C>T, p.Arg483Cys (NM_001378976.1); c.1384C>T, p.Arg462Cys (NM_001378977.1, NM_001378978.1, NM_001378979.1); c.1378C>T, p.Arg460Cys (NM_001378980.1, NM_033645.3); c.1480C>T, p.Arg494Cys (NM_012300.3); c.1441C>T, p.Arg481Cys (NM_033644.3); c.1480C>T (NM_012300.2); short protein forms R460C, R462C, R481C, R492C, R483C, R494C, R515C.
Identifiers: ClinVar variation 1499943 (VCV001499943.13), dbSNP rs1265464557, ClinGen allele CA362212634.

ClinVar aggregate classification (germline): Uncertain significance. Review status: criteria provided, multiple submitters, no conflicts (2 of 4 stars). 4 submissions from 4 submitters: Uncertain significance (4). Last evaluated 2026-05-06.

Conditions:
Neurodevelopmental, jaw, eye, and digital syndrome (NEDJED). Identifiers: MedGen C5394477, MONDO:0030057, OMIM 618914.

Allele frequency attached by ClinVar (database versions not stated): gnomAD exomes below 0.00001; TOPMed below 0.00001; gnomAD 0.00001.

Submissions (4):

GeneDx
Classification: Uncertain significance. Last evaluated: 2026-05-06. Review status: criteria provided, single submitter. Criteria: GeneDx Variant Classification Process June 2021. Collection method: clinical testing. Allele origin: germline.
Comment: In silico analysis supports that this missense variant has a deleterious effect on protein structure/function; Has not been previously published as pathogenic or benign to our knowledge

Center for Genomic Medicine, Rigshospitalet, Copenhagen University Hospital
Classification: Uncertain significance. Last evaluated: 2025-03-04. Review status: criteria provided, single submitter. Criteria: ACMG Guidelines, 2015. Collection method: clinical testing. Allele origin: germline.

Revvity Omics, Revvity
Classification: Uncertain significance for Neurodevelopmental, jaw, eye, and digital syndrome. Last evaluated: 2021-11-18. Review status: criteria provided, single submitter. Criteria: ACMG Guidelines, 2015. Collection method: clinical testing. Allele origin: germline.

Labcorp Genetics (formerly Invitae), Labcorp
Classification: Uncertain significance. Last evaluated: 2021-05-31. Review status: criteria provided, single submitter. Criteria: Invitae Variant Classification Sherloc (09022015). Collection method: clinical testing. Allele origin: germline.
Comment: This sequence change replaces arginine with cysteine at codon 494 of the FBXW11 protein (p.Arg494Cys). The arginine residue is highly conserved and there is a large physicochemical difference between arginine and cysteine. The frequency data for this variant in the population databases is considered unreliable, as metrics indicate poor data quality at this position in the gnomAD database. This variant has been observed in individual(s) with clinical features of FBXW11-related conditions (Invitae). In at least one individual the variant was observed to be de novo. Algorithms developed to predict the effect of missense changes on protein structure and function are either unavailable or do not agree on the potential impact of this missense change (SIFT: "Deleterious"; PolyPhen-2: "Possibly Damaging"; Align-GVGD: "Class C0"). In summary, the available evidence is currently insufficient to determine the role of this variant in disease. Therefore, it has been classified as a Variant of Uncertain Significance.

Literature cited by the submitters: PubMed 31402090 (cited by Center for Genomic Medicine, Rigshospitalet, Copenhagen University Hospital).